The following is an entry in ClinVar:

NM_000257.4(MYH7):c.3442G>T (p.Glu1148Ter)

Gene: MYH7 (myosin heavy chain 7; minus strand). Cytogenetic location: 14q11.2.
Variant type: single nucleotide variant.
Coding change: c.3442G>T on transcript NM_000257.4 (MANE Select); coding-DNA position 3442, G replaced by T.
Protein change: p.Glu1148Ter; replaces glutamic acid 1148 with a stop codon.
Molecular consequence: nonsense.
Genome position (GRCh38, 1-based): chr14:23,420,129, C>A on the plus strand (G>T on the coding strand, the complement: MYH7 is on the minus strand). VCF-style: chr14-23420129-C-A. GRCh37 (hg19) VCF-style: chr14-23889338-C-A.
Other names: c.3442G>T, p.Glu1148Ter (NM_001407004.1); short protein forms E1148*.
Identifiers: ClinVar variation 2644104 (VCV002644104.24), dbSNP rs786205355, ClinGen allele CA389043874.

ClinVar aggregate classification (germline): Uncertain significance (1 of 4 stars; one submission).

Submission:

CeGaT Center for Human Genetics Tuebingen
Classification: Uncertain significance. Last evaluated: 2023-02-01. Review status: criteria provided, single submitter. Criteria: CeGaT Center For Human Genetics Tuebingen Variant Classification Criteria Version 2. Collection method: clinical testing. Allele origin: germline. Affected: yes. Observed: 1 variant allele.
Comment: MYH7: PM2